The following is an entry in ClinVar:

ClinVar aggregate classification (germline): Benign/Likely benign. Review status: criteria provided, multiple submitters, no conflicts (2 of 4 stars). 3 submissions from 3 submitters: Benign (1); Likely benign (2). Last evaluated 2024-10-28.

Conditions:
Hereditary cancer-predisposing syndrome. Also called: Hereditary Cancer Syndrome; Hereditary neoplastic syndrome; Neoplastic Syndromes, Hereditary; Tumor predisposition. Identifiers: Orphanet 140162, MedGen C0027672, MeSH D009386, MONDO:0015356.
Prostate cancer, hereditary, 9 (HPC9). Identifiers: Orphanet 1331, MedGen C1970250, MONDO:0012597, OMIM 610997.

Allele frequency attached by ClinVar (database versions not stated): gnomAD exomes below 0.00001.
gnomAD v4.1: 2 of 1,613,436 alleles (0.00012%); highest among the groups gnomAD compares: Non-Finnish European, 0.00017%; no homozygotes.

Submissions (3):

Myriad Genetics, Inc.
Classification: Benign for Prostate cancer, hereditary, 9. Last evaluated: 2024-10-28. Review status: criteria provided, single submitter. Criteria: Myriad Autosomal Dominant, Autosomal Recessive and X-Linked Classification Criteria (2023). Collection method: clinical testing. Allele origin: unknown.
Comment: This variant is considered benign. This variant is a silent/synonymous amino acid change and it is not expected to impact splicing.

Labcorp Genetics (formerly Invitae), Labcorp
Classification: Likely benign. Last evaluated: 2023-05-11. Review status: criteria provided, single submitter. Criteria: Invitae Variant Classification Sherloc (09022015). Collection method: clinical testing. Allele origin: germline.

Ambry Genetics
Classification: Likely benign for Hereditary cancer-predisposing syndrome. Last evaluated: 2022-10-30. Review status: criteria provided, single submitter. Criteria: Ambry Variant Classification Scheme 2023. Collection method: clinical testing. Allele origin: germline.

NM_006361.6(HOXB13):c.102C>T (p.Thr34=)

Gene: HOXB13 (homeobox B13; minus strand). Cytogenetic location: 17q21.32.
Variant type: single nucleotide variant.
Coding change: c.102C>T on transcript NM_006361.6 (MANE Select); coding-DNA position 102, C replaced by T.
Protein change: p.Thr34=; no amino-acid change (threonine 34 retained).
Molecular consequence: synonymous variant.
Genome position (GRCh38, 1-based): chr17:48,728,492, G>A on the plus strand (C>T on the coding strand, the complement: HOXB13 is on the minus strand). VCF-style: chr17-48728492-G-A. GRCh37 (hg19) VCF-style: chr17-46805854-G-A.
Identifiers: ClinVar variation 1770674 (VCV001770674.6), dbSNP rs1597935105, ClinGen allele CA500502912.